The following is an entry in ClinVar:

ClinVar aggregate classification (germline): Conflicting classifications of pathogenicity. Review status: criteria provided, conflicting classifications (1 of 4 stars). 3 submissions from 3 submitters: Uncertain significance (1); Likely benign (2). Last evaluated 2026-04-17.

Conditions:
Hyperinsulinism-hyperammonemia syndrome (HHF6). Identifiers: Orphanet 35878, MedGen C1847555, MONDO:0011717, OMIM 606762.
GLUD1-related disorder. Also called: GLUD1-related condition.

Allele frequency attached by ClinVar (database versions not stated): gnomAD 0.00006 and 0.00005; TOPMed 0.00007; ESP Exome Variant Server 0.00008.
gnomAD v4.1: 178 of 1,613,196 alleles (0.011%); highest among the groups gnomAD compares: Non-Finnish European, 0.014%; no homozygotes.

Submissions (3):

PreventionGenetics, part of Exact Sciences
Classification: Likely benign for GLUD1-related condition. Last evaluated: 2026-04-17. Review status: criteria provided, single submitter. Criteria: ACMG Guidelines, 2015. Collection method: clinical testing. Allele origin: germline.
Comment: This variant is classified as likely benign based on ACMG/AMP sequence variant interpretation guidelines (Richards et al. 2015 PMID: 25741868, with internal and published modifications).

Blueprint Genetics
Classification: Likely benign. Last evaluated: 2023-02-13. Review status: criteria provided, single submitter. Criteria: ACMG Guidelines, 2015. Collection method: clinical testing. Allele origin: germline.

Illumina Laboratory Services, Illumina
Classification: Uncertain significance for Hyperinsulinism-hyperammonemia syndrome. Last evaluated: 2018-01-13. Review status: criteria provided, single submitter. Criteria: ICSL Variant Classification Criteria 13 December 2019. Collection method: clinical testing. Allele origin: germline.

NM_005271.5(GLUD1):c.1279-6G>A

Gene: GLUD1 (glutamate dehydrogenase 1; minus strand). Cytogenetic location: 10q23.2.
Variant type: single nucleotide variant.
Coding change: c.1279-6G>A on transcript NM_005271.5 (MANE Select); 6 bases into the intron before coding-DNA position 1279, G replaced by A.
Molecular consequence: intron variant.
Genome position (GRCh38, 1-based): chr10:87,059,279, C>T on the plus strand (G>A on the coding strand, the complement: GLUD1 is on the minus strand). VCF-style: chr10-87059279-C-T. GRCh37 (hg19) VCF-style: chr10-88819036-C-T.
Other names: c.1279-6G>A (NM_005271.4); c.778-6G>A (NM_001318906.2, NM_001318904.2, NM_001318905.2 and 2 more transcripts); c.880-6G>A (NM_001318900.1).
Identifiers: ClinVar variation 877652 (VCV000877652.6), dbSNP rs374548261, ClinGen allele CA5587460.
Genomic context (GRCh38, chr10:87,059,279, plus strand): 5'-TCTTCAGCCACTCAAAGTAAGATACTGTCACTCCTCCAGCATTCAAGTAGAGATCCTATG[C>T]ACAAAAATAAGACAAAGAAATTAGAAGATGATGGTTTTCGTAAAAGCTGAAAATGAACCT-3'